The following is an entry in ClinVar:

NM_001429.4(EP300):c.4829C>T (p.Pro1610Leu)

Gene: EP300 (EP300 lysine acetyltransferase; plus strand). Cytogenetic location: 22q13.2.
Variant type: single nucleotide variant.
Coding change: c.4829C>T on transcript NM_001429.4 (MANE Select); coding-DNA position 4829, C replaced by T.
Protein change: p.Pro1610Leu; replaces proline 1610 with leucine.
Molecular consequence: missense variant.
Genome position (GRCh38, 1-based): chr22:41,176,296, C>T. VCF-style: chr22-41176296-C-T. GRCh37 (hg19) VCF-style: chr22-41572300-C-T.
Other names: c.4751C>T, p.Pro1584Leu (NM_001362843.2); short protein forms P1610L, P1584L.
Identifiers: ClinVar variation 2917964 (VCV002917964.3), dbSNP rs771861948, ClinGen allele CA324557878.

ClinVar aggregate classification (germline): Uncertain significance (1 of 4 stars; one submission).

Conditions:
Rubinstein-Taybi syndrome due to EP300 haploinsufficiency. Also called: EP300-Related Rubinstein-Taybi Syndrome; RUBINSTEIN-TAYBI SYNDROME 2. Identifiers: Orphanet 353284, Orphanet 783, MedGen C3150941, MONDO:0013364, OMIM 613684.

Allele frequency attached by ClinVar (database versions not stated): gnomAD exomes below 0.00001.
gnomAD v4.1: 6 of 1,614,210 alleles (0.00037%); highest among the groups gnomAD compares: Non-Finnish European, 0.00051%; no homozygotes.

Submission:

Labcorp Genetics (formerly Invitae), Labcorp
Classification: Uncertain significance for Rubinstein-Taybi syndrome due to EP300 haploinsufficiency. Last evaluated: 2024-01-18. Review status: criteria provided, single submitter. Criteria: Invitae Variant Classification Sherloc (09022015). Collection method: clinical testing. Allele origin: germline.
Comment: This sequence change replaces proline, which is neutral and non-polar, with leucine, which is neutral and non-polar, at codon 1610 of the EP300 protein (p.Pro1610Leu). This variant is not present in population databases (gnomAD no frequency). This variant has not been reported in the literature in individuals affected with EP300-related conditions. Advanced modeling of protein sequence and biophysical properties (such as structural, functional, and spatial information, amino acid conservation, physicochemical variation, residue mobility, and thermodynamic stability) performed at Invitae indicates that this missense variant is not expected to disrupt EP300 protein function with a negative predictive value of 80%. In summary, the available evidence is currently insufficient to determine the role of this variant in disease. Therefore, it has been classified as a Variant of Uncertain Significance.